The following is an entry in ClinVar:

NM_000188.3(HK1):c.184A>G (p.Lys62Glu)

Gene: HK1 (hexokinase 1; plus strand). Cytogenetic location: 10q22.1.
Variant type: single nucleotide variant.
Coding change: c.184A>G on transcript NM_000188.3 (MANE Select); coding-DNA position 184, A replaced by G.
Protein change: p.Lys62Glu; replaces lysine 62 with glutamic acid.
Molecular consequence: missense variant.
Genome position (GRCh38, 1-based): chr10:69,343,947, A>G. VCF-style: chr10-69343947-A-G. GRCh37 (hg19) VCF-style: chr10-71103703-A-G.
Other names: c.196A>G, p.Lys66Glu (NM_001322364.2, NM_001358263.1, NM_033497.3 and 1 more transcripts); c.289A>G, p.Lys97Glu (NM_001322365.2); c.100A>G, p.Lys34Glu (NM_001322366.1); c.184A>G, p.Lys62Glu (NM_001322367.1); c.181A>G, p.Lys61Glu (NM_033496.3); c.148A>G, p.Lys50Glu (NM_033500.2); short protein forms K66E, K34E, K50E, K61E, K62E, K97E.
Identifiers: ClinVar variation 3525764 (VCV003525764.3).

ClinVar aggregate classification (germline): Uncertain significance. Review status: criteria provided, multiple submitters, no conflicts (2 of 4 stars). 3 submissions from 3 submitters: Uncertain significance (3). Last evaluated 2025-06-10.

Conditions:
Inborn genetic diseases. Identifiers: MedGen C0950123, MeSH D030342.

gnomAD v4.1: 48 of 1,614,048 alleles (0.003%); highest among the groups gnomAD compares: Non-Finnish European, 0.0037%; no homozygotes.

Submissions (3):

Women's Health and Genetics/Laboratory Corporation of America, LabCorp
Classification: Uncertain significance. Last evaluated: 2025-06-10. Review status: criteria provided, single submitter. Criteria: LabCorp Variant Classification Summary - May 2015. Collection method: clinical testing. Allele origin: germline.
Comment: Variant summary: HK1 c.184A>G (p.Lys62Glu) results in a conservative amino acid change in the encoded protein sequence. Algorithms developed to predict the effect of missense changes on protein structure and function are either unavailable or do not agree on the potential impact of this missense change. The variant allele was found at a frequency of 1.2e-05 in 251488 control chromosomes. The available data on variant occurrences in the general population are insufficient to allow any conclusion about variant significance. To our knowledge, no occurrence of c.184A>G in individuals affected with Hemolytic anemia due to hexokinase deficiency and no experimental evidence demonstrating its impact on protein function have been reported. ClinVar contains an entry for this variant (Variation ID: 3525764). Based on the evidence outlined above, the variant was classified as uncertain significance.

Ambry Genetics
Classification: Uncertain significance for Inborn genetic diseases. Last evaluated: 2024-09-20. Review status: criteria provided, single submitter. Criteria: Ambry Variant Classification Scheme 2023. Collection method: clinical testing. Allele origin: germline.

Blueprint Genetics
Classification: Uncertain significance. Last evaluated: 2024-04-26. Review status: criteria provided, single submitter. Criteria: ACMG Guidelines, 2015. Collection method: clinical testing. Allele origin: germline.